The following is an entry in ClinVar:

ClinVar aggregate classification (germline): Likely pathogenic. Review status: criteria provided, single submitter (1 of 4 stars). 2 submissions from 2 submitters: Likely pathogenic (1). 1 of the submissions does not count toward it. Last evaluated 2022-06-15.

Conditions:
Hereditary spastic paraplegia 15 (SPG15). Also called: SPASTIC PARAPLEGIA 15, AUTOSOMAL RECESSIVE; KJELLIN SYNDROME; SPASTIC PARAPLEGIA AND RETINAL DEGENERATION. Identifiers: Orphanet 100996, MedGen C1849128, MONDO:0010044, OMIM 270700.
Spastic paraplegia. Identifiers: MedGen C0037772, HP:0001258.

Submissions (2):

Labcorp Genetics (formerly Invitae), Labcorp
Classification: Likely pathogenic for Spastic paraplegia. Last evaluated: 2022-06-15. Review status: criteria provided, single submitter. Criteria: Invitae Variant Classification Sherloc (09022015). Collection method: clinical testing. Allele origin: germline.
Comment: In summary, the currently available evidence indicates that the variant is pathogenic, but additional data are needed to prove that conclusively. Therefore, this variant has been classified as Likely Pathogenic. Algorithms developed to predict the effect of sequence changes on RNA splicing suggest that this variant may disrupt the consensus splice site. ClinVar contains an entry for this variant (Variation ID: 554649). This variant has not been reported in the literature in individuals affected with ZFYVE26-related conditions. This variant is not present in population databases (gnomAD no frequency). This sequence change affects a splice site in intron 21 of the ZFYVE26 gene. It is expected to disrupt RNA splicing. Variants that disrupt the donor or acceptor splice site typically lead to a loss of protein function (PMID: 16199547), and loss-of-function variants in ZFYVE26 are known to be pathogenic (PMID: 18394578, 19805727).

Counsyl
Classification: Uncertain significance for Hereditary spastic paraplegia 15. Last evaluated: 2017-10-30. Review status: no assertion criteria provided. Collection method: clinical testing. Allele origin: unknown. Not counted in ClinVar's aggregate classification.

Literature cited by the submitters: PubMed 16199547 (cited by Labcorp Genetics (formerly Invitae), Labcorp); PubMed 18394578 (cited by Labcorp Genetics (formerly Invitae), Labcorp); PubMed 19805727 (cited by Labcorp Genetics (formerly Invitae), Labcorp).

NM_015346.4(ZFYVE26):c.4372+1_4372+3del

Gene: ZFYVE26 (zinc finger FYVE-type containing 26; minus strand). Cytogenetic location: 14q24.1.
Variant type: Microsatellite.
Coding change: c.4372+1_4372+3del on transcript NM_015346.4 (MANE Select); the canonical splice donor site of the intron after coding-DNA position 4372 through 3 bases into the intron after coding-DNA position 4372, 3 bases deleted (GTG; older notation c.4372+1_4372+3delGTG).
Molecular consequence: splice donor variant.
Genome position (GRCh38, 1-based): chr14:67,782,777-67,782,779, CAC deleted on the plus strand (GTG on the coding strand, the reverse complement: ZFYVE26 is on the minus strand); deleting any 3 consecutive bases within chr14:67,782,777-67,782,782 gives the same sequence; the c. name uses the placement nearest the transcript's 3' end. VCF-style (leftmost placement, unchanged base first): chr14-67782776-TCAC-T. GRCh37 (hg19) VCF-style: chr14-68249493-TCAC-T.
Other names: c.4372+1_4372+3delGTG (NM_015346.3).
Identifiers: ClinVar variation 554649 (VCV000554649.6), dbSNP rs1555396965, ClinGen allele CA658824223.